The following is an entry in ClinVar:

ClinVar aggregate classification (germline): Uncertain significance (1 of 4 stars; one submission).

Conditions:
Developmental and epileptic encephalopathy, 31A. Also called: Developmental and epileptic encephalopathy, 31; Epileptic encephalopathy, early infantile, 31. Identifiers: Orphanet 2382, MedGen C4225357, MONDO:0014598, OMIM 616346.

Allele frequency attached by ClinVar (database versions not stated): gnomAD exomes below 0.00001.
gnomAD v4.1: 1 of 1,357,082 alleles (0.000074%); highest among the groups gnomAD compares: Non-Finnish European, 0.000094%; no homozygotes.

Submission:

Labcorp Genetics (formerly Invitae), Labcorp
Classification: Uncertain significance for Developmental and epileptic encephalopathy, 31A. Last evaluated: 2021-11-12. Review status: criteria provided, single submitter. Criteria: Invitae Variant Classification Sherloc (09022015). Collection method: clinical testing. Allele origin: germline.
Comment: In summary, the available evidence is currently insufficient to determine the role of this variant in disease. Therefore, it has been classified as a Variant of Uncertain Significance. Algorithms developed to predict the effect of missense changes on protein structure and function are either unavailable or do not agree on the potential impact of this missense change (SIFT: "Deleterious"; PolyPhen-2: "Benign"; Align-GVGD: "Class C0"). This variant has not been reported in the literature in individuals affected with DNM1-related conditions. The frequency data for this variant in the population databases is considered unreliable, as metrics indicate poor data quality at this position in the gnomAD database. This sequence change replaces glycine, which is neutral and non-polar, with serine, which is neutral and polar, at codon 797 of the DNM1 protein (p.Gly797Ser).

NM_004408.4(DNM1):c.2389G>A (p.Gly797Ser)

Genes: DNM1 (dynamin 1; plus strand), LOC130002698 (ATAC-STARR-seq lymphoblastoid silent region 20332; plus strand). Cytogenetic location: 9q34.11.
Variant type: single nucleotide variant.
Coding change: c.2389G>A on transcript NM_004408.4 (MANE Select); coding-DNA position 2389, G replaced by A.
Protein change: p.Gly797Ser; replaces glycine 797 with serine.
Molecular consequence: missense variant.
Genome position (GRCh38, 1-based): chr9:128,250,795, G>A. VCF-style: chr9-128250795-G-A. GRCh37 (hg19) VCF-style: chr9-131013074-G-A.
Other names: c.2389G>A, p.Gly797Ser (NM_001005336.3, NM_001288737.2, NM_001288738.2 and 2 more transcripts); short protein forms G797S.
Identifiers: ClinVar variation 1486164 (VCV001486164.6), dbSNP rs1259228242, ClinGen allele CA375001616.
Genomic context (GRCh38, chr9:128,250,795, plus strand): 5'-TCCAGCCCCACGCCGCAGCGCCGAGCCCCCGCCGTGCCCCCAGCCCGGCCCGGGTCGCGG[G>A]GCCCTGCTCCTGGGCCTCCGCCTGCTGGGTCCGCCCTGGGGGGGGCGCCCCCCGTGCCCT-3'
Protein context (NP_004399.2, residues 787-807): AVPPARPGSR[Gly797Ser]PAPGPPPAGS